The following is an entry in ClinVar:

ClinVar aggregate classification (germline): Uncertain significance (1 of 4 stars; one submission).

Conditions:
Familial thoracic aortic aneurysm and aortic dissection (TAAD). Also called: Thoracic aortic aneurysms and dissections. Identifiers: Orphanet 91387, MedGen C4707243, MONDO:0019625.

Submission:

Ambry Genetics
Classification: Uncertain significance for Familial thoracic aortic aneurysm and aortic dissection. Last evaluated: 2024-08-28. Review status: criteria provided, single submitter. Criteria: Ambry Variant Classification Scheme 2023. Collection method: clinical testing. Allele origin: germline.
Comment: The p.V218F variant (also known as c.652G>T), located in coding exon 1 of the SKI gene, results from a G to T substitution at nucleotide position 652. The valine at codon 218 is replaced by phenylalanine, an amino acid with highly similar properties. This amino acid position is conserved. In addition, this alteration is predicted to be tolerated by in silico analysis. Based on the available evidence, the clinical significance of this variant remains unclear.

NM_003036.4(SKI):c.652G>T (p.Val218Phe)

Gene: SKI (SKI proto-oncogene; plus strand). Cytogenetic location: 1p36.33.
Variant type: single nucleotide variant.
Coding change: c.652G>T on transcript NM_003036.4 (MANE Select); coding-DNA position 652, G replaced by T.
Protein change: p.Val218Phe; replaces valine 218 with phenylalanine.
Molecular consequence: missense variant.
Genome position (GRCh38, 1-based): chr1:2,229,418, G>T. VCF-style: chr1-2229418-G-T. GRCh37 (hg19) VCF-style: chr1-2160857-G-T.
Other names: short protein forms V218F.
Identifiers: ClinVar variation 3442292 (VCV003442292.1).
Genomic context (GRCh38, chr1:2,229,418, plus strand): 5'-CCCTGCAAGAAGGAGCTGGCCGCCAGCCTGGCGCTGGGCCTGGAGCTCAGCGAGCGCAGC[G>T]TCCGCGTGTACCACGAGTGCTTCGGCAAGTGTAAGGGGCTGCTGGTGCCCGAGCTCTACA-3'
Protein context (NP_003027.1, residues 208-228): ALGLELSERS[Val218Phe]RVYHECFGKC